The following is an entry in ClinVar:

ClinVar aggregate classification (germline): Uncertain significance. Review status: criteria provided, multiple submitters, no conflicts (2 of 4 stars). 2 submissions from 2 submitters: Uncertain significance (2). Last evaluated 2024-02-24.

Conditions:
Cranioectodermal dysplasia 1 (CED1). Also called: LEVIN SYNDROME I. Identifiers: Orphanet 1515, MedGen C0432235, MONDO:0021093, OMIM 218330.

Allele frequency attached by ClinVar (database versions not stated): ExAC 0.00002; gnomAD exomes 0.00002 and 0.00005; TOPMed 0.00002; gnomAD 0.00003 and 0.00004.
gnomAD v4.1: 70 of 1,613,888 alleles (0.0043%); highest among the groups gnomAD compares: Non-Finnish European, 0.0056%; no homozygotes.

Submissions (2):

Labcorp Genetics (formerly Invitae), Labcorp
Classification: Uncertain significance for Cranioectodermal dysplasia 1. Last evaluated: 2024-02-24. Review status: criteria provided, single submitter. Criteria: Invitae Variant Classification Sherloc (09022015). Collection method: clinical testing. Allele origin: germline.
Comment: This sequence change replaces leucine, which is neutral and non-polar, with phenylalanine, which is neutral and non-polar, at codon 101 of the IFT122 protein (p.Leu101Phe). This variant is present in population databases (rs778846137, gnomAD 0.005%). This variant has not been reported in the literature in individuals affected with IFT122-related conditions. ClinVar contains an entry for this variant (Variation ID: 1355382). An algorithm developed to predict the effect of missense changes on protein structure and function (PolyPhen-2) suggests that this variant is likely to be tolerated. In summary, the available evidence is currently insufficient to determine the role of this variant in disease. Therefore, it has been classified as a Variant of Uncertain Significance.

Fulgent Genetics
Classification: Uncertain significance for Cranioectodermal dysplasia 1. Last evaluated: 2022-04-02. Review status: criteria provided, single submitter. Criteria: ACMG Guidelines, 2015. Collection method: clinical testing. Allele origin: unknown.

NM_052989.3(IFT122):c.273-346C>T

Gene: IFT122 (intraflagellar transport 122; plus strand). Cytogenetic location: 3q21.3.
Variant type: single nucleotide variant.
Coding change: c.273-346C>T on transcript NM_052989.3 (MANE Select); 346 bases into the intron before coding-DNA position 273, C replaced by T.
Molecular consequence: intron variant. On other transcripts: missense variant (2).
Genome position (GRCh38, 1-based): chr3:129,460,882, C>T. VCF-style: chr3-129460882-C-T. GRCh37 (hg19) VCF-style: chr3-129179725-C-T.
Other names: c.301C>T, p.Leu101Phe (NM_001280541.2, NM_052985.4); c.-178-346C>T (NM_001280545.2, NM_001280546.2); c.273-346C>T (NM_018262.4); c.194-2678C>T (NM_052990.3); short protein forms L101F.
Identifiers: ClinVar variation 1355382 (VCV001355382.9), dbSNP rs778846137, ClinGen allele CA2605786.
Genomic context (GRCh38, chr3:129,460,882, plus strand): 5'-CATTGTTGTCTAAGGATTTGTCATGTTTCCAGATCTTGGTCTGTGATGTCTTCATTGCAC[C>T]TCCATCTTCCATTTCTGGGCCTCCACAAAACAGTAAGAGTAACAGCCACAGATAAAGCAC-3'